The following is an entry in ClinVar:

ClinVar aggregate classification (germline): Uncertain significance (1 of 4 stars; one submission).

Conditions:
Inborn genetic diseases. Identifiers: MedGen C0950123, MeSH D030342.

gnomAD v4.1: 1 of 1,604,122 alleles (0.000062%); highest among the groups gnomAD compares: South Asian, 0.0011%; no homozygotes.

Submission:

Ambry Genetics
Classification: Uncertain significance for Inborn genetic diseases. Last evaluated: 2026-01-10. Review status: criteria provided, single submitter. Criteria: Ambry Variant Classification Scheme 2023. Collection method: clinical testing. Allele origin: germline.
Comment: The p.I17L variant (also known as c.49A>T), located in coding exon 2 of the ERCC6L2 gene, results from an A to T substitution at nucleotide position 49. The isoleucine at codon 17 is replaced by leucine, an amino acid with highly similar properties. This amino acid position is conserved. In addition, this alteration is predicted to be tolerated by in silico analysis. Based on the available evidence, the clinical significance of this variant remains unclear.

NM_020207.7(ERCC6L2):c.49A>T (p.Ile17Leu)

Gene: ERCC6L2 (ERCC excision repair 6 like 2; plus strand). Cytogenetic location: 9q22.32.
Variant type: single nucleotide variant.
Coding change: c.49A>T on transcript NM_020207.7 (MANE Select); coding-DNA position 49, A replaced by T.
Protein change: p.Ile17Leu; replaces isoleucine 17 with leucine.
Molecular consequence: missense variant. On other transcripts: non-coding transcript variant (1).
Genome position (GRCh38, 1-based): chr9:95,880,871, A>T. VCF-style: chr9-95880871-A-T. GRCh37 (hg19) VCF-style: chr9-98643153-A-T.
Other names: c.49A>T, p.Ile17Leu (NM_001010895.4, NM_001375291.1, NM_001375292.1 and 2 more transcripts); short protein forms I17L.
Identifiers: ClinVar variation 4844057 (VCV004844057.1).
Genomic context (GRCh38, chr9:95,880,871, plus strand): 5'-AAATGAGGTGTTACTTTATAAGCTAGCTTTGGAAACTTTATTTTCTTTATTCTTGCAGAC[A>T]TATGGCATCCAGGAGAAAGATGTCTTGCCCCTTCTCCAGATAATGGAAAACTTTGTGAAG-3'
Protein context (NP_064592.3, residues 7-27): QPRAETSGKD[Ile17Leu]WHPGERCLAP